The following is an entry in ClinVar:

ClinVar aggregate classification (germline): Likely benign. Review status: criteria provided, multiple submitters, no conflicts (2 of 4 stars). 3 submissions from 3 submitters: Likely benign (2). 1 of the submissions does not count toward it. Last evaluated 2025-09-23.

Conditions:
RRAS-related disorder. Also called: RRAS-related condition.
Noonan syndrome (NS). Also called: Noonan's syndrome. Identifiers: Orphanet 648, MedGen C0028326, MeSH D009634, MONDO:0018997. Disease mechanism: gain of function.

Allele frequency attached by ClinVar (database versions not stated): gnomAD exomes 0.00001; gnomAD 0.00002; TOPMed 0.00003; ExAC 0.00011.
gnomAD v4.1: 23 of 1,437,984 alleles (0.0016%); highest among the groups gnomAD compares: Middle Eastern, 0.057%; no homozygotes.

Submissions (3):

Labcorp Genetics (formerly Invitae), Labcorp
Classification: Likely benign for Noonan syndrome. Last evaluated: 2025-09-23. Review status: criteria provided, single submitter. Criteria: Invitae Variant Classification Sherloc (09022015). Collection method: clinical testing. Allele origin: germline.

Ambry Genetics
Classification: Likely benign. Last evaluated: 2022-09-12. Review status: criteria provided, single submitter. Criteria: Ambry Variant Classification Scheme 2023. Collection method: clinical testing. Allele origin: germline.

PreventionGenetics, part of Exact Sciences
Classification: Likely benign for RRAS-related condition. Last evaluated: 2021-01-11. Review status: no assertion criteria provided. Collection method: clinical testing. Allele origin: germline. Not counted in ClinVar's aggregate classification.
Comment: This variant is classified as likely benign based on ACMG/AMP sequence variant interpretation guidelines (Richards et al. 2015 PMID: 25741868, with internal and published modifications).

NM_006270.5(RRAS):c.630C>T (p.Gly210=)

Gene: RRAS (RAS related; minus strand). Cytogenetic location: 19q13.33.
Variant type: single nucleotide variant.
Coding change: c.630C>T on transcript NM_006270.5 (MANE Select); coding-DNA position 630, C replaced by T.
Protein change: p.Gly210=; no amino-acid change (glycine 210 retained).
Molecular consequence: synonymous variant.
Genome position (GRCh38, 1-based): chr19:49,635,603, G>A on the plus strand (C>T on the coding strand, the complement: RRAS is on the minus strand). VCF-style: chr19-49635603-G-A. GRCh37 (hg19) VCF-style: chr19-50138860-G-A.
Other names: c.630C>T (NM_006270.4).
Identifiers: ClinVar variation 1752782 (VCV001752782.9), dbSNP rs745391652, ClinGen allele CA9578928.